The following is an entry in ClinVar:

NM_004628.5(XPC):c.1A>T (p.Met1Leu)

Genes: XPC (XPC complex subunit, DNA damage recognition and repair factor; minus strand), LOC129936244 (ATAC-STARR-seq lymphoblastoid active region 19500; plus strand). Cytogenetic location: 3p25.1.
Variant type: single nucleotide variant.
Coding change: c.1A>T on transcript NM_004628.5 (MANE Select); coding-DNA position 1, A replaced by T.
Protein change: p.Met1Leu; changes the start codon (methionine 1).
Molecular consequence: missense variant, initiator codon variant. On other transcripts: 5 prime UTR variant (1), non-coding transcript variant (2).
Genome position (GRCh38, 1-based): chr3:14,178,568, T>A on the plus strand (A>T on the coding strand, the complement: XPC is on the minus strand). VCF-style: chr3-14178568-T-A. GRCh37 (hg19) VCF-style: chr3-14220068-T-A.
Other names: c.-455A>T (NM_001354726.2); c.1A>T, p.Met1Leu (NM_001354727.2, NM_001354729.2, NM_001354730.2); short protein forms M1L.
Identifiers: ClinVar variation 555303 (VCV000555303.6), dbSNP rs763678756, ClinGen allele CA351543954.

ClinVar aggregate classification (germline): Pathogenic. Review status: criteria provided, single submitter (1 of 4 stars). 2 submissions from 2 submitters: Pathogenic (1). 1 of the submissions does not count toward it. Last evaluated 2023-04-28.

Conditions:
Xeroderma pigmentosum, group C (XPC). Also called: XPC-Related Xeroderma Pigmentosum; Xeroderma pigmentosum, complementation group C; XERODERMA PIGMENTOSUM III; XP, GROUP C. Identifiers: Orphanet 910, MedGen C2752147, MONDO:0010211, OMIM 278720.

Submissions (2):

Labcorp Genetics (formerly Invitae), Labcorp
Classification: Pathogenic. Last evaluated: 2023-04-28. Review status: criteria provided, single submitter. Criteria: Invitae Variant Classification Sherloc (09022015). Collection method: clinical testing. Allele origin: germline.
Comment: ClinVar contains an entry for this variant (Variation ID: 555303). For these reasons, this variant has been classified as Pathogenic. Experimental studies have shown that disruption of the initiator codon affects XPC function (PMID: 18955168). Algorithms developed to predict the effect of variants on protein structure and function are not available or were not evaluated for this variant. Disruption of the initiator codon has been observed in individual(s) with xeroderma pigmentosum (PMID: 18955165). This variant is present in population databases (no rsID available, gnomAD 0.006%). This sequence change affects the initiator methionine of the XPC mRNA. The next in-frame methionine is located at codon 118.

Counsyl
Classification: Likely pathogenic for Xeroderma pigmentosum, group C. Last evaluated: 2017-11-29. Review status: no assertion criteria provided. Collection method: clinical testing. Allele origin: unknown. Not counted in ClinVar's aggregate classification.

Literature cited by the submitters: PubMed 18955168 (cited by Labcorp Genetics (formerly Invitae), Labcorp and Counsyl); PubMed 18955165 (cited by Labcorp Genetics (formerly Invitae), Labcorp).